The following is an entry in ClinVar:

NM_194248.3(OTOF):c.2891C>G (p.Ala964Gly)

Gene: OTOF (otoferlin; minus strand). Cytogenetic location: 2p23.3.
Variant type: single nucleotide variant.
Coding change: c.2891C>G on transcript NM_194248.3 (MANE Select); coding-DNA position 2891, C replaced by G.
Protein change: p.Ala964Gly; replaces alanine 964 with glycine.
Molecular consequence: missense variant.
Genome position (GRCh38, 1-based): chr2:26,476,014, G>C on the plus strand (C>G on the coding strand, the complement: OTOF is on the minus strand). VCF-style: chr2-26476014-G-C. GRCh37 (hg19) VCF-style: chr2-26698882-G-C.
Other names: c.2891C>G, p.Ala964Gly (NM_001287489.2); c.650C>G, p.Ala217Gly (NM_004802.4, NM_194323.3); c.821C>G, p.Ala274Gly (NM_194322.3); short protein forms A217G, A274G, A964G.
Identifiers: ClinVar variation 3339729 (VCV003339729.1).

ClinVar aggregate classification (germline): Uncertain significance (1 of 4 stars; one submission).

gnomAD v4.1: 8 of 1,612,546 alleles (0.0005%); highest among the groups gnomAD compares: African/African-American, 0.011%; no homozygotes.

Submission:

Women's Health and Genetics/Laboratory Corporation of America, LabCorp
Classification: Uncertain significance. Last evaluated: 2024-06-06. Review status: criteria provided, single submitter. Criteria: LabCorp Variant Classification Summary - May 2015. Collection method: clinical testing. Allele origin: germline.
Comment: Variant summary: OTOF c.2891C>G (p.Ala964Gly) results in a non-conservative amino acid change located in the C2 domain (IPR000008) of the encoded protein sequence. Five of five in-silico tools predict a damaging effect of the variant on protein function. The variant allele was found at a frequency of 8.1e-06 in 248316 control chromosomes. The available data on variant occurrences in the general population are insufficient to allow any conclusion about variant significance. To our knowledge, no occurrence of c.2891C>G in individuals affected with Nonsyndromic Hearing Loss And Deafness, Type 9 and no experimental evidence demonstrating its impact on protein function have been reported. No submitters have cited clinical-significance assessments for this variant to ClinVar. Based on the evidence outlined above, the variant was classified as uncertain significance.